The following is an entry in ClinVar:

NM_017617.5(NOTCH1):c.4673G>T (p.Gly1558Val)

Gene: NOTCH1 (notch receptor 1; minus strand). Cytogenetic location: 9q34.3.
Variant type: single nucleotide variant.
Coding change: c.4673G>T on transcript NM_017617.5 (MANE Select); coding-DNA position 4673, G replaced by T.
Protein change: p.Gly1558Val; replaces glycine 1558 with valine.
Molecular consequence: missense variant.
Genome position (GRCh38, 1-based): chr9:136,505,018, C>A on the plus strand (G>T on the coding strand, the complement: NOTCH1 is on the minus strand). VCF-style: chr9-136505018-C-A. GRCh37 (hg19) VCF-style: chr9-139399470-C-A.
Other names: short protein forms G1558V.
Identifiers: ClinVar variation 5010049 (VCV005010049.1).

ClinVar aggregate classification (germline): Uncertain significance (1 of 4 stars; one submission).

Submission:

GeneDx
Classification: Uncertain significance. Last evaluated: 2026-02-23. Review status: criteria provided, single submitter. Criteria: GeneDx Variant Classification Process June 2021. Collection method: clinical testing. Allele origin: germline.
Comment: Not observed at significant frequency in large population cohorts (gnomAD); In silico analysis supports that this missense variant has a deleterious effect on protein structure/function; Has not been previously published as pathogenic or benign to our knowledge